The following is an entry in ClinVar:

ClinVar aggregate classification (germline): Pathogenic (1 of 4 stars; one submission).

Conditions:
Baller-Gerold syndrome (BGS). Also called: CRANIOSYNOSTOSIS WITH RADIAL DEFECTS. Identifiers: Orphanet 1225, MedGen C0265308, MONDO:0009039, OMIM 218600.

Submission:

Labcorp Genetics (formerly Invitae), Labcorp
Classification: Pathogenic for Baller-Gerold syndrome. Last evaluated: 2023-05-15. Review status: criteria provided, single submitter. Criteria: Invitae Variant Classification Sherloc (09022015). Collection method: clinical testing. Allele origin: germline.
Comment: For these reasons, this variant has been classified as Pathogenic. This variant has not been reported in the literature in individuals affected with RECQL4-related conditions. This variant is not present in population databases (gnomAD no frequency). This sequence change creates a premature translational stop signal (p.Val1139Alafs*11) in the RECQL4 gene. It is expected to result in an absent or disrupted protein product. Loss-of-function variants in RECQL4 are known to be pathogenic (PMID: 12734318, 12952869).

Literature cited by the submitters: PubMed 12734318; PubMed 12952869.

NM_004260.4(RECQL4):c.3416del (p.Val1139fs)

Gene: RECQL4 (RecQ like helicase 4; minus strand). Cytogenetic location: 8q24.3.
Variant type: Deletion.
Coding change: c.3416del on transcript NM_004260.4 (MANE Select); coding-DNA position 3416, one base deleted (T; older notation c.3416delT).
Protein change: p.Val1139fs; shifts the reading frame from valine 1139.
Molecular consequence: frameshift variant. On other transcripts: non-coding transcript variant (3).
Genome position (GRCh38, 1-based): chr8:144,511,767, A deleted on the plus strand (T on the coding strand, the reverse complement: RECQL4 is on the minus strand). VCF-style (leftmost placement, unchanged base first): chr8-144511766-GA-G. GRCh37 (hg19) VCF-style: chr8-145737149-GA-G.
Other names: c.3122del, p.Val1041fs (NM_001413017.1); c.3218del, p.Val1073fs (NM_001413018.1); c.3491del, p.Val1164fs (NM_001413019.1); c.3320del, p.Val1107fs (NM_001413020.1); c.2345del, p.Val782fs (NM_001413021.1, NM_001413022.1, NM_001413024.1 and 4 more transcripts); c.2420del, p.Val807fs (NM_001413023.1); c.3287del, p.Val1096fs (NM_001413025.1); c.2279del, p.Val760fs (NM_001413027.1, NM_001413030.1, NM_001413032.1); and 9 more; short protein forms V1095fs, V1129fs, V1142fs, V716fs, V782fs, V1073fs, V1139fs, V738fs.
Identifiers: ClinVar variation 2917613 (VCV002917613.3), dbSNP rs2537966952, ClinGen allele CA2739269066.
Genomic context (GRCh38, chr8:144,511,766, plus strand): 5'-AGCCCTGCTGGAGAACTTCTCCTCTGGCCTCAGGGACAGGAACTGGCGGATGTCGCAGCG[GA>G]CCTGGTCCTCCCAATCCTGGAGCTGTGTGGACAGGCACATCAGGCTTCCTCTGAGCTCCC-3'